The following is an entry in ClinVar:

ClinVar aggregate classification (germline): Uncertain significance. Review status: criteria provided, multiple submitters, no conflicts (2 of 4 stars). 2 submissions from 2 submitters: Uncertain significance (2). Last evaluated 2023-02-01.

Allele frequency attached by ClinVar (database versions not stated): TOPMed 0.00002; gnomAD exomes 0.00005 and 0.00001; gnomAD 0.00001.

Submissions (2):

CeGaT Center for Human Genetics Tuebingen
Classification: Uncertain significance. Last evaluated: 2023-02-01. Review status: criteria provided, single submitter. Criteria: CeGaT Center For Human Genetics Tuebingen Variant Classification Criteria Version 2. Collection method: clinical testing. Allele origin: germline. Affected: yes. Observed: 1 variant allele.
Comment: MYO6: PM2, PP3

AiLife Diagnostics
Classification: Uncertain significance. Last evaluated: 2021-11-09. Review status: criteria provided, single submitter. Criteria: ACMG Guidelines, 2015. Collection method: clinical testing. Allele origin: germline. Affected: yes. Observed: 2 variant alleles.

NM_004999.4(MYO6):c.679C>T (p.His227Tyr)

Gene: MYO6 (myosin VI; plus strand). Cytogenetic location: 6q14.1.
Variant type: single nucleotide variant.
Coding change: c.679C>T on transcript NM_004999.4 (MANE Select); coding-DNA position 679, C replaced by T.
Protein change: p.His227Tyr; replaces histidine 227 with tyrosine.
Molecular consequence: missense variant. On other transcripts: non-coding transcript variant (2).
Genome position (GRCh38, 1-based): chr6:75,841,241, C>T. VCF-style: chr6-75841241-C-T. GRCh37 (hg19) VCF-style: chr6-76550958-C-T.
Other names: c.679C>T, p.His227Tyr (NM_001300899.2, NM_001368136.1, NM_001368137.1 and 4 more transcripts); c.664C>T, p.His222Tyr (NM_001368138.1); short protein forms H222Y, H227Y.
Identifiers: ClinVar variation 1677467 (VCV001677467.29), dbSNP rs930430931, ClinGen allele CA141083593.